The following is an entry in ClinVar:

NM_206933.4(USH2A):c.4758+1G>A

Gene: USH2A (usherin; minus strand). Cytogenetic location: 1q41.
Variant type: single nucleotide variant.
Coding change: c.4758+1G>A on transcript NM_206933.4 (MANE Select); the canonical splice donor site of the intron after coding-DNA position 4758, G replaced by A.
Molecular consequence: splice donor variant.
Genome position (GRCh38, 1-based): chr1:216,097,082, C>T on the plus strand (G>A on the coding strand, the complement: USH2A is on the minus strand). VCF-style: chr1-216097082-C-T. GRCh37 (hg19) VCF-style: chr1-216270424-C-T.
Identifiers: ClinVar variation 2202962 (VCV002202962.6), dbSNP rs751414710, ClinGen allele CA1395638.

ClinVar aggregate classification (germline): Pathogenic. Review status: criteria provided, multiple submitters, no conflicts (2 of 4 stars). 3 submissions from 3 submitters: Pathogenic (3). Last evaluated 2023-09-08.

Conditions:
Usher syndrome type 2A. Also called: USHER SYNDROME, TYPE IIA; RETINAL DISEASE IN USHER SYNDROME TYPE IIA, MODIFIER OF. Identifiers: Orphanet 231178, Orphanet 886, MedGen C1848634, MONDO:0010169, OMIM 276901.

Allele frequency attached by ClinVar (database versions not stated): gnomAD exomes below 0.00001; TOPMed below 0.00001; ExAC 0.00001.
gnomAD v4.1: 1 of 1,613,438 alleles (0.000062%); highest among the groups gnomAD compares: Non-Finnish European, 0.000085%; no homozygotes.

Submissions (3):

GeneDx
Classification: Pathogenic. Last evaluated: 2023-09-08. Review status: criteria provided, single submitter. Criteria: GeneDx Variant Classification Process June 2021. Collection method: clinical testing. Allele origin: germline. Affected: yes.
Comment: Canonical splice site variant predicted to result in a null allele in a gene for which loss of function is a known mechanism of disease; Not observed at significant frequency in large population cohorts (gnomAD); This variant is associated with the following publications: (PMID: 20507924, 32467589, 27460420, 31964843, 33089500)

Labcorp Genetics (formerly Invitae), Labcorp
Classification: Pathogenic. Last evaluated: 2023-08-22. Review status: criteria provided, single submitter. Criteria: Invitae Variant Classification Sherloc (09022015). Collection method: clinical testing. Allele origin: germline.
Comment: This sequence change affects a donor splice site in intron 22 of the USH2A gene. It is expected to disrupt RNA splicing. Variants that disrupt the donor or acceptor splice site typically lead to a loss of protein function (PMID: 16199547), and loss-of-function variants in USH2A are known to be pathogenic (PMID: 10729113, 10909849, 20507924, 25649381). This variant is present in population databases (rs751414710, gnomAD 0.0009%). Disruption of this splice site has been observed in individuals with USH2A-related conditions (PMID: 20507924, 27460420, 32467589, 33089500). ClinVar contains an entry for this variant (Variation ID: 2202962). Algorithms developed to predict the effect of sequence changes on RNA splicing suggest that this variant may disrupt the consensus splice site. For these reasons, this variant has been classified as Pathogenic.

Genome-Nilou Lab
Classification: Pathogenic for Usher syndrome type 2A. Last evaluated: 2023-04-11. Review status: criteria provided, single submitter. Criteria: ACMG Guidelines, 2015. Collection method: clinical testing. Allele origin: germline. Affected: no.

Literature cited by the submitters: PubMed 16199547 (cited by Labcorp Genetics (formerly Invitae), Labcorp); PubMed 10729113 (cited by Labcorp Genetics (formerly Invitae), Labcorp); PubMed 10909849 (cited by Labcorp Genetics (formerly Invitae), Labcorp); PubMed 20507924 (cited by Labcorp Genetics (formerly Invitae), Labcorp); PubMed 25649381 (cited by Labcorp Genetics (formerly Invitae), Labcorp); PubMed 27460420 (cited by Labcorp Genetics (formerly Invitae), Labcorp); PubMed 32467589 (cited by Labcorp Genetics (formerly Invitae), Labcorp); PubMed 33089500 (cited by Labcorp Genetics (formerly Invitae), Labcorp).